The following is an entry in ClinVar:

ClinVar aggregate classification (germline): Pathogenic. Review status: criteria provided, multiple submitters, no conflicts (2 of 4 stars). 2 submissions from 2 submitters: Pathogenic (2). Last evaluated 2022-04-15.

Conditions:
Capillary malformation-arteriovenous malformation syndrome. Also called: Capillary malformation-arteriovenous malformation. Identifiers: Orphanet 137667, MedGen C1842180, MONDO:0012016.

Submissions (2):

GeneDx
Classification: Pathogenic. Last evaluated: 2022-04-15. Review status: criteria provided, single submitter. Criteria: GeneDx Variant Classification Process June 2021. Collection method: clinical testing. Allele origin: germline. Affected: yes.
Comment: Frameshift variant predicted to result in protein truncation or nonsense mediated decay in a gene for which loss of function is a known mechanism of disease; Not observed at significant frequency in large population cohorts (gnomAD); This variant is associated with the following publications: (PMID: 24038909)

Labcorp Genetics (formerly Invitae), Labcorp
Classification: Pathogenic for Capillary malformation-arteriovenous malformation syndrome. Last evaluated: 2022-02-23. Review status: criteria provided, single submitter. Criteria: Invitae Variant Classification Sherloc (09022015). Collection method: clinical testing. Allele origin: germline.
Comment: This sequence change creates a premature translational stop signal (p.Lys834Valfs*5) in the RASA1 gene. It is expected to result in an absent or disrupted protein product. Loss-of-function variants in RASA1 are known to be pathogenic (PMID: 24038909). This variant is not present in population databases (gnomAD no frequency). This premature translational stop signal has been observed in individual(s) with clinical features of RASA1-related conditions (PMID: 24038909). For these reasons, this variant has been classified as Pathogenic.

Literature cited by the submitters: PubMed 24038909 (cited by Labcorp Genetics (formerly Invitae), Labcorp).

NM_002890.3(RASA1):c.2500_2501del (p.Lys834fs)

Genes: CCNH (cyclin H; minus strand), RASA1 (RAS p21 protein activator 1; plus strand). Cytogenetic location: 5q14.3.
Variant type: Deletion.
Coding change: c.2500_2501del on transcript NM_002890.3 (MANE Select); coding-DNA positions 2500 to 2501, 2 bases deleted (AA; older notation c.2500_2501delAA).
Protein change: p.Lys834fs; shifts the reading frame from lysine 834.
Molecular consequence: frameshift variant. On other transcripts: intron variant (1).
Genome position (GRCh38, 1-based): chr5:87,379,747-87,379,748, AA deleted; deleting any 2 consecutive bases within chr5:87,379,746-87,379,748 gives the same sequence; the c. name uses the placement nearest the transcript's 3' end. VCF-style (leftmost placement, unchanged base first): chr5-87379745-CAA-C. GRCh37 (hg19) VCF-style: chr5-86675562-CAA-C.
Other names: c.1969_1970del, p.Lys657fs (NM_022650.3); c.933+15297_933+15298del (NM_001364075.2); short protein forms K657fs, K834fs.
Identifiers: ClinVar variation 1712599 (VCV001712599.6), dbSNP rs2531359826, ClinGen allele CA2580073672.